The following is an entry in ClinVar:

ClinVar aggregate classification (germline): Pathogenic (1 of 4 stars; one submission).

Conditions:
Fanconi anemia complementation group O. Also called: RAD51C-Related Fanconi Anemia. Identifiers: Orphanet 84, MedGen C3150653, MONDO:0013248, OMIM 613390.

Submission:

Labcorp Genetics (formerly Invitae), Labcorp
Classification: Pathogenic for Fanconi anemia complementation group O. Last evaluated: 2020-11-23. Review status: criteria provided, single submitter. Criteria: Invitae Variant Classification Sherloc (09022015). Collection method: clinical testing. Allele origin: germline.
Comment: For these reasons, this variant has been classified as Pathogenic. This variant has not been reported in the literature in individuals with RAD51C-related conditions. This variant is not present in population databases (ExAC no frequency). This sequence change creates a premature translational stop signal (p.Gly162Glufs*9) in the RAD51C gene. It is expected to result in an absent or disrupted protein product. Loss-of-function variants in RAD51C are known to be pathogenic (PMID: 20400964, 21990120, 24800917).

Literature cited by the submitters: PubMed 20400964; PubMed 21990120; PubMed 24800917.

NM_058216.3(RAD51C):c.485del (p.Gly162fs)

Gene: RAD51C (RAD51 paralog C; plus strand). Cytogenetic location: 17q22.
Variant type: Deletion.
Coding change: c.485del on transcript NM_058216.3 (MANE Select); coding-DNA position 485, one base deleted (G; older notation c.485delG).
Protein change: p.Gly162fs; shifts the reading frame from glycine 162.
Molecular consequence: frameshift variant.
Genome position (GRCh38, 1-based): chr17:58,696,773, G deleted; the last of 3 consecutive G bases (chr17:58,696,771-58,696,773); deleting any one gives the same sequence. VCF-style (leftmost placement, unchanged base first): chr17-58696770-AG-A. GRCh37 (hg19) VCF-style: chr17-56774131-AG-A.
Other names: short protein forms G162fs.
Identifiers: ClinVar variation 1444223 (VCV001444223.6), dbSNP rs2143746632, ClinGen allele CA2573154417.